The following is an entry in ClinVar:

ClinVar aggregate classification (germline): Likely pathogenic (1 of 4 stars; one submission).

Conditions:
Upshaw-Schulman syndrome (TTP). Also called: Congenital thrombotic thrombocytopenic purpura; THROMBOTIC THROMBOCYTOPENIC PURPURA, HEREDITARY. Identifiers: Orphanet 93583, MedGen C1268935, MONDO:0010122, OMIM 274150.

Submission:

Knight Diagnostic Laboratories, Oregon Health and Sciences University
Classification: Likely pathogenic for Upshaw-Schulman syndrome. Last evaluated: 2015-12-04. Review status: criteria provided, single submitter. Criteria: ACMG Guidelines, 2015. Collection method: clinical testing. Allele origin: germline. Affected: no. Study: CSER-NextGen.
Comment: The c.3541delG (p.Gln1183Argfs*43) frameshift variant in the ADAMTS13 gene is a novel variant and has not been previously reported. This c.3541delG variant is predicted to cause premature protein termination in exon 26 (out of a total of 29 exons in the coding sequence). Frameshift variants resulting in premature termination codons have been described in the ADAMTS13 gene in several affected individuals, including a single base-pair duplication of thymine (T) (c.3770dupT) (exon 27) (Levi et al., 2001) as well as a duplication of adenine (A), c.4143dupA (exon 29) (Schneppenheim et al., 2003) that are both predicted to result in protein truncation further down-stream from c.3541delG. This suggests that loss of function is a mechanism of disease. The c.3541delG variant has not been reported in the three control population databases (Exome Sequencing Project [ESP], 1000 Genomes, and ExAC). Therefore, this collective evidence supports the classification of the c.3541delG (p.Gln1183Argfs*43) as a recessive likely pathogenic variant for congenital TPP.

NM_139027.6(ADAMTS13):c.3400+143del

Gene: ADAMTS13 (ADAM metallopeptidase with thrombospondin type 1 motif 13; plus strand). Cytogenetic location: 9q34.2.
Variant type: Deletion.
Coding change: c.3400+143del on transcript NM_139027.6 (MANE Select); 143 bases into the intron after coding-DNA position 3400, one base deleted (G; older notation c.3400+143delG).
Molecular consequence: intron variant. On other transcripts: frameshift variant (1).
Genome position (GRCh38, 1-based): chr9:133,455,578, G deleted; the last of 3 consecutive G bases (chr9:133,455,576-133,455,578); deleting any one gives the same sequence. VCF-style (leftmost placement, unchanged base first): chr9-133455575-CG-C. GRCh37 (hg19) VCF-style: chr9-136320697-CG-C.
Other names: c.3541delG (NM_139025.4); c.3543del, p.Gln1183fs (NM_139025.5); c.3307+143del (NM_139026.6); short protein forms Q1183fs.
Identifiers: ClinVar variation 402223 (VCV000402223.1), dbSNP rs1060499780, ClinGen allele CA16609554.